The following is an entry in ClinVar:

NM_004415.4(DSP):c.4914C>T (p.Asp1638=)

Gene: DSP (desmoplakin; plus strand). Cytogenetic location: 6p24.3.
Variant type: single nucleotide variant.
Coding change: c.4914C>T on transcript NM_004415.4 (MANE Select); coding-DNA position 4914, C replaced by T.
Protein change: p.Asp1638=; no amino-acid change (aspartic acid 1638 retained).
Molecular consequence: synonymous variant. On other transcripts: intron variant (2).
Genome position (GRCh38, 1-based): chr6:7,581,104, C>T. VCF-style: chr6-7581104-C-T. GRCh37 (hg19) VCF-style: chr6-7581337-C-T.
Other names: c.4050+864C>T (NM_001319034.2); c.3582+1332C>T (NM_001008844.3); c.4914C>T (NM_004415.3).
Identifiers: ClinVar variation 920276 (VCV000920276.15), dbSNP rs750113099, ClinGen allele CA043371.

ClinVar aggregate classification (germline): Likely benign. Review status: criteria provided, multiple submitters, no conflicts (2 of 4 stars). 6 submissions from 6 submitters: Likely benign (6). Last evaluated 2026-04-22.

Conditions:
Cardiomyopathy (CMYO). Also called: Cardiomyopathies. Identifiers: Orphanet 167848, MedGen C0878544, MONDO:0004994, HP:0001638. Inheritance: Various modes of inheritance.
Cardiovascular phenotype. Identifiers: MedGen CN230736.
Cardiomyopathy, dilated, with wooly hair, keratoderma, and tooth agenesis. Also called: Cardiomyopathy, dilated, with woolly hair, keratoderma, and tooth agenesis; Erythrokeratodermia-cardiomyopathy syndrome. Identifiers: Orphanet 476096, Orphanet 65282, MedGen C4014393, MONDO:0014355, OMIM 615821.
Arrhythmogenic cardiomyopathy with wooly hair and keratoderma. Also called: PALMOPLANTAR KERATODERMA WITH LEFT VENTRICULAR CARDIOMYOPATHY AND WOOLLY HAIR; Carvajal syndrome; Dilated cardiomyopathy with woolly hair and keratoderma; Arrhythmogenic cardiomyopathy with woolly hair and keratoderma. Identifiers: Orphanet 65282, MedGen C1854063, MONDO:0011581, OMIM 605676.
Keratosis palmoplantaris striata 2. Also called: KERATODERMA, PALMOPLANTAR, STRIATE FORM II; STRIATE PALMOPLANTAR KERATODERMA II; Keratosis palmoplantaris striata II. Identifiers: MedGen C1852127, MONDO:0013034, OMIM 612908.
Arrhythmogenic right ventricular dysplasia 8 (ARVD8). Also called: Arrhythmogenic Right Ventricular Dysplasia/Cardiomyopathy 8; ARRHYTHMOGENIC RIGHT VENTRICULAR CARDIOMYOPATHY 8; ARRHYTHMOGENIC RIGHT VENTRICULAR DYSPLASIA, FAMILIAL, 8. Identifiers: MedGen C1843896, MONDO:0011831, OMIM 607450.
Woolly hair-skin fragility syndrome (WHSF). Identifiers: Orphanet 293165, MedGen C1843292, MONDO:0957307, OMIM 620415.
Lethal acantholytic epidermolysis bullosa (EBLA). Identifiers: Orphanet 158687, MedGen C1864826, MONDO:0012323, OMIM 609638.
DSP-related disorder. Also called: DSP-related condition; DSP-related disorders.

Allele frequency attached by ClinVar (database versions not stated): gnomAD exomes 0.00004 and 0.00002; gnomAD 0.00005 and 0.00006; TOPMed 0.00005; ExAC 0.00004.
gnomAD v4.1: 29 of 1,613,936 alleles (0.0018%); highest among the groups gnomAD compares: South Asian, 0.013%; no homozygotes.

Submissions (6):

PreventionGenetics, part of Exact Sciences
Classification: Likely benign for DSP-related condition. Last evaluated: 2026-04-22. Review status: criteria provided, single submitter. Criteria: ACMG Guidelines, 2015. Collection method: clinical testing. Allele origin: germline.
Comment: This variant is classified as likely benign based on ACMG/AMP sequence variant interpretation guidelines (Richards et al. 2015 PMID: 25741868, with internal and published modifications).

Labcorp Genetics (formerly Invitae), Labcorp
Classification: Likely benign for Arrhythmogenic cardiomyopathy with wooly hair and keratoderma; Arrhythmogenic right ventricular dysplasia 8. Last evaluated: 2025-03-30. Review status: criteria provided, single submitter. Criteria: Invitae Variant Classification Sherloc (09022015). Collection method: clinical testing. Allele origin: germline.

All of Us Research Program, National Institutes of Health
Classification: Likely benign for Arrhythmogenic cardiomyopathy with wooly hair and keratoderma. Last evaluated: 2023-12-18. Review status: criteria provided, single submitter. Criteria: ACMG Guidelines, 2015. Collection method: clinical testing. Allele origin: germline. Inheritance: Autosomal dominant inheritance. Observed: 3 variant alleles, 3 heterozygotes.
Comment: This study involves interpretation of variants in research participants for the purpose of population health screening. Participant phenotype was not available at the time of variant classification. Additional details can be found in publication PMID: 35346344, PMCID: PMC8962531

Fulgent Genetics
Classification: Likely benign for Arrhythmogenic cardiomyopathy with wooly hair and keratoderma; Arrhythmogenic right ventricular dysplasia 8; Lethal acantholytic epidermolysis bullosa; Keratosis palmoplantaris striata 2; Cardiomyopathy, dilated, with wooly hair, keratoderma, and tooth agenesis. Last evaluated: 2021-10-13. Review status: criteria provided, single submitter. Criteria: ACMG Guidelines, 2015. Collection method: clinical testing. Allele origin: unknown.

Ambry Genetics
Classification: Likely benign for Cardiovascular phenotype. Last evaluated: 2019-08-27. Review status: criteria provided, single submitter. Criteria: Ambry Variant Classification Scheme 2023. Collection method: clinical testing. Allele origin: germline.

Color Diagnostics, LLC DBA Color Health
Classification: Likely benign for Cardiomyopathy. Last evaluated: 2019-04-28. Review status: criteria provided, single submitter. Criteria: ACMG Guidelines, 2015. Collection method: clinical testing. Allele origin: germline.